The following is an entry in ClinVar:

NM_006939.4(SOS2):c.290G>A (p.Arg97Gln)

Gene: SOS2 (SOS Ras/Rho guanine nucleotide exchange factor 2; minus strand). Cytogenetic location: 14q21.3.
Variant type: single nucleotide variant.
Coding change: c.290G>A on transcript NM_006939.4 (MANE Select); coding-DNA position 290, G replaced by A.
Protein change: p.Arg97Gln; replaces arginine 97 with glutamine.
Molecular consequence: missense variant.
Genome position (GRCh38, 1-based): chr14:50,201,008, C>T on the plus strand (G>A on the coding strand, the complement: SOS2 is on the minus strand). VCF-style: chr14-50201008-C-T. GRCh37 (hg19) VCF-style: chr14-50667726-C-T.
Other names: short protein forms R97Q.
Identifiers: ClinVar variation 654884 (VCV000654884.9), dbSNP rs777574895, ClinGen allele CA389650038.
Genomic context (GRCh38, chr14:50,201,008, plus strand): 5'-GTTACCTTCAACGAAGGATGGATTTTGTCCACAGGCAGTAAAAGAGGATTTCTTCGTTTT[C>T]GTTTTTCTATAGCAGATTGTGCATCAGCAATGGCCCATTTATCAATTGGGTGAGGAAAGG-3'
Protein context (NP_008870.2, residues 87-107): IADAQSAIEK[Arg97Gln]KRRNPLLLPV

ClinVar aggregate classification (germline): Uncertain significance. Review status: criteria provided, multiple submitters, no conflicts (2 of 4 stars). 2 submissions from 2 submitters: Uncertain significance (2). Last evaluated 2024-11-10.

Conditions:
Cardiovascular phenotype. Identifiers: MedGen CN230736.
Noonan syndrome 9 (NS9). Identifiers: Orphanet 648, MedGen C4225282, MONDO:0014691, OMIM 616559.

Allele frequency attached by ClinVar (database versions not stated): gnomAD exomes below 0.00001; TOPMed below 0.00001.
gnomAD v4.1: 1 of 1,613,890 alleles (0.000062%); highest among the groups gnomAD compares: Non-Finnish European, 0.000085%; no homozygotes.

Submissions (2):

Ambry Genetics
Classification: Uncertain significance for Cardiovascular phenotype. Last evaluated: 2024-11-10. Review status: criteria provided, single submitter. Criteria: Ambry Variant Classification Scheme 2023. Collection method: clinical testing. Allele origin: germline.
Comment: The p.R97Q variant (also known as c.290G>A), located in coding exon 3 of the SOS2 gene, results from a G to A substitution at nucleotide position 290. The arginine at codon 97 is replaced by glutamine, an amino acid with highly similar properties. This amino acid position is conserved. In addition, the in silico prediction for this alteration is inconclusive. Based on the available evidence, the clinical significance of this variant remains unclear.

Labcorp Genetics (formerly Invitae), Labcorp
Classification: Uncertain significance for Noonan syndrome 9. Last evaluated: 2022-09-22. Review status: criteria provided, single submitter. Criteria: Invitae Variant Classification Sherloc (09022015). Collection method: clinical testing. Allele origin: germline.
Comment: In summary, the available evidence is currently insufficient to determine the role of this variant in disease. Therefore, it has been classified as a Variant of Uncertain Significance. Advanced modeling of protein sequence and biophysical properties (such as structural, functional, and spatial information, amino acid conservation, physicochemical variation, residue mobility, and thermodynamic stability) has been performed at Invitae for this missense variant, however the output from this modeling did not meet the statistical confidence thresholds required to predict the impact of this variant on SOS2 protein function. ClinVar contains an entry for this variant (Variation ID: 654884). This variant has not been reported in the literature in individuals affected with SOS2-related conditions. This variant is not present in population databases (gnomAD no frequency). This sequence change replaces arginine, which is basic and polar, with glutamine, which is neutral and polar, at codon 97 of the SOS2 protein (p.Arg97Gln).